The following is an entry in ClinVar:

ClinVar aggregate classification (germline): Uncertain significance (1 of 4 stars; one submission).

gnomAD v4.1: 9 of 1,614,052 alleles (0.00056%); highest among the groups gnomAD compares: African/African-American, 0.0027%; no homozygotes.

Submission:

Labcorp Genetics (formerly Invitae), Labcorp
Classification: Uncertain significance. Last evaluated: 2024-11-11. Review status: criteria provided, single submitter. Criteria: Invitae Variant Classification Sherloc (09022015). Collection method: clinical testing. Allele origin: germline.
Comment: This sequence change replaces valine, which is neutral and non-polar, with isoleucine, which is neutral and non-polar, at codon 979 of the LRP5 protein (p.Val979Ile). This variant is present in population databases (no rsID available, gnomAD 0.007%). This variant has not been reported in the literature in individuals affected with LRP5-related conditions. Invitae Evidence Modeling of protein sequence and biophysical properties (such as structural, functional, and spatial information, amino acid conservation, physicochemical variation, residue mobility, and thermodynamic stability) indicates that this missense variant is not expected to disrupt LRP5 protein function with a negative predictive value of 95%. In summary, the available evidence is currently insufficient to determine the role of this variant in disease. Therefore, it has been classified as a Variant of Uncertain Significance.

NM_002335.4(LRP5):c.2935G>A (p.Val979Ile)

Gene: LRP5 (LDL receptor related protein 5; plus strand). Cytogenetic location: 11q13.2.
Variant type: single nucleotide variant.
Coding change: c.2935G>A on transcript NM_002335.4 (MANE Select); coding-DNA position 2935, G replaced by A.
Protein change: p.Val979Ile; replaces valine 979 with isoleucine.
Molecular consequence: missense variant.
Genome position (GRCh38, 1-based): chr11:68,416,435, G>A. VCF-style: chr11-68416435-G-A. GRCh37 (hg19) VCF-style: chr11-68183903-G-A.
Other names: c.1192G>A, p.Val398Ile (NM_001291902.2); short protein forms V979I, V398I.
Identifiers: ClinVar variation 3696460 (VCV003696460.2).
Genomic context (GRCh38, chr11:68,416,435, plus strand): 5'-ATGATCCCGGACGACCAGCACAGCCCGGATCTCATCCTGCCCCTGCATGGACTGAGGAAC[G>A]TCAAAGCCATCGACTATGACCCACTGGACAAGTTCATCTACTGGGTGGATGGGCGCCAGA-3'
Protein context (NP_002326.2, residues 969-989): LILPLHGLRN[Val979Ile]KAIDYDPLDK